The following is an entry in ClinVar:

NM_018129.4(PNPO):c.479C>A (p.Ser160Tyr)

Gene: PNPO (pyridoxamine 5'-phosphate oxidase; plus strand). Cytogenetic location: 17q21.32.
Variant type: single nucleotide variant.
Coding change: c.479C>A on transcript NM_018129.4 (MANE Select); coding-DNA position 479, C replaced by A.
Protein change: p.Ser160Tyr; replaces serine 160 with tyrosine.
Molecular consequence: missense variant.
Genome position (GRCh38, 1-based): chr17:47,945,922, C>A. VCF-style: chr17-47945922-C-A. GRCh37 (hg19) VCF-style: chr17-46023288-C-A.
Other names: short protein forms S160Y.
Identifiers: ClinVar variation 3377260 (VCV003377260.1).
Genomic context (GRCh38, chr17:47,945,922, plus strand): 5'-TGCGTGTGGAAGGCCCTGTGAAGAAACTGCCTGAGGAGGAGGCTGAGTGCTACTTCCACT[C>A]CCGCCCCAAGAGCAGCCAGATTGGGGCTGTGGTCAGCCACCAGAGTTCTGTGATCCCTGA-3'
Protein context (NP_060599.1, residues 150-170): PEEEAECYFH[Ser160Tyr]RPKSSQIGAV

ClinVar aggregate classification (germline): Uncertain significance (1 of 4 stars; one submission).

Conditions:
Pyridoxal phosphate-responsive seizures (PNPOD). Also called: EPILEPTIC ENCEPHALOPATHY, NEONATAL, PNPO-RELATED; SEIZURES, PYRIDOXINE-RESISTANT, PLP-SENSITIVE; Pyridoxal 5'-Phosphate (PLP)-Dependent Epilepsy; Pyridoxamine 5-Prime-Phosphate Oxidase Deficiency; Pyridoxine-5'-phosphate oxidase deficiency. Identifiers: Orphanet 79096, MedGen C1864723, MONDO:0012407, OMIM 610090. Disease mechanism: loss of function.

gnomAD v4.1: 2 of 1,613,952 alleles (0.00012%); highest among the groups gnomAD compares: Non-Finnish European, 0.00017%; no homozygotes.

Submission:

Victorian Clinical Genetics Services, Murdoch Childrens Research Institute
Classification: Uncertain significance for Pyridoxal phosphate-responsive seizures. Last evaluated: 2024-10-09. Review status: criteria provided, single submitter. Criteria: ACMG Guidelines, 2015. Collection method: clinical testing. Allele origin: germline. Inheritance: Autosomal recessive inheritance. Affected: yes.
Comment: Updated: Based on the classification scheme VCGS_Germline_v1.3.4, this variant is classified as VUS-3A. Following criteria are met: 0102 - Loss of function is a known mechanism of disease in this gene and is associated with pyridoxamine 5'-phosphate oxidase deficiency (MIM#610090). (I) 0106 - This gene is associated with autosomal recessive disease. (I) 0115 - Variants in this gene are known to have variable expressivity (OMIM). (I) 0200 - Variant is predicted to result in a missense amino acid change from serine to tyrosine. (I) 0251 - This variant is heterozygous. (I) 0301 - Variant is absent from gnomAD (both v2 and v3). (SP) 0309 - Two alternative amino acid changes at the same position have been observed in gnomAD (v2: highest count 1 heterozygote, 0 homozygotes). (I) 0501 - Missense variant consistently predicted to be damaging by multiple in silico tools or highly conserved with a major amino acid change. (SP) 0604 - Variant is not located in an established domain, motif, hotspot or informative constraint region. (I) 0705 - No comparable missense variants have previous evidence for pathogenicity. (I) 0807 - This variant has no previous evidence of pathogenicity. (I) 0905 - No published segregation evidence has been identified for this variant. (I) 1007 - No published functional evidence has been identified for this variant. (I) 1201 - Heterozygous variant detected in trans with a second pathogenic heterozygous variant (NM_018129.3(PNPO):c.98A>T; p.Asp33Val) in a recessive disease. (I) Legend: (SP) - Supporting pathogenic, (I) - Information, (SB) - Supporting benign